The following is an entry in ClinVar:

NM_001256627.2(BRSK2):c.594C>T (p.Asp198=)

Gene: BRSK2 (BR serine/threonine kinase 2; plus strand). Cytogenetic location: 11p15.5.
Variant type: single nucleotide variant.
Coding change: c.594C>T on transcript NM_001256627.2 (MANE Select); coding-DNA position 594, C replaced by T.
Protein change: p.Asp198=; no amino-acid change (aspartic acid 198 retained).
Molecular consequence: synonymous variant. On other transcripts: non-coding transcript variant (1).
Genome position (GRCh38, 1-based): chr11:1,443,364, C>T. VCF-style: chr11-1443364-C-T. GRCh37 (hg19) VCF-style: chr11-1464594-C-T.
Other names: c.594C>T, p.Asp198= (NM_001256629.2, NM_003957.4); c.732C>T, p.Asp244= (NM_001256630.1); c.414C>T, p.Asp138= (NM_001282218.2).
Identifiers: ClinVar variation 1675441 (VCV001675441.34), dbSNP rs770103891, ClinGen allele CA5810569.
Genomic context (GRCh38, chr11:1,443,364, plus strand): 5'-CCCCCAACAGCCCGGGCACTGCTGTCCACAGGGGGAGAAGTATGACGGCCGGAAGGCGGA[C>T]GTGTGGAGCTGCGGCGTCATCCTGTTCGCCTTGCTGGTGGTGAGACCCTGGCCCCCTCAA-3'
Protein context (NP_001243556.1, residues 188-208): RGEKYDGRKA[Asp198=]VWSCGVILFA

ClinVar aggregate classification (germline): Likely benign. Review status: criteria provided, multiple submitters, no conflicts (2 of 4 stars). 2 submissions from 2 submitters: Likely benign (2). Last evaluated 2022-05-01.

Allele frequency attached by ClinVar (database versions not stated): ExAC 0.00001; gnomAD 0.00001; gnomAD exomes 0.00001; TOPMed 0.00003; 1000 Genomes Project 30x 0.00031.
gnomAD v4.1: 14 of 1,608,686 alleles (0.00087%); highest among the groups gnomAD compares: South Asian, 0.0011%; no homozygotes.

Submissions (2):

CeGaT Center for Human Genetics Tuebingen
Classification: Likely benign. Last evaluated: 2022-05-01. Review status: criteria provided, single submitter. Criteria: CeGaT Center For Human Genetics Tuebingen Variant Classification Criteria Version 2. Collection method: clinical testing. Allele origin: germline. Affected: yes. Observed: 2 variant alleles.
Comment: BRSK2: BP4, BP7

Breakthrough Genomics
Classification: Likely benign. Review status: criteria provided, single submitter. Criteria: ACMG Guidelines, 2015. Collection method: not provided. Allele origin: germline. Inheritance: Unknown mechanism. Affected: yes.